The following is an entry in ClinVar:

NM_000059.4(BRCA2):c.4662T>G (p.Ser1554Arg)

Gene: BRCA2 (BRCA2 DNA repair associated; plus strand). Cytogenetic location: 13q13.1.
Variant type: single nucleotide variant.
Coding change: c.4662T>G on transcript NM_000059.4 (MANE Select); coding-DNA position 4662, T replaced by G.
Protein change: p.Ser1554Arg; replaces serine 1554 with arginine.
Molecular consequence: missense variant.
Genome position (GRCh38, 1-based): chr13:32,339,017, T>G. VCF-style: chr13-32339017-T-G. GRCh37 (hg19) VCF-style: chr13-32913154-T-G.
Other names: p.S1554R:AGT>AGG; 4890T>G; short protein forms S1554R.
Identifiers: ClinVar variation 51692 (VCV000051692.60), dbSNP rs276174845, ClinGen allele CA020611.

ClinVar aggregate classification (germline): Conflicting classifications of pathogenicity. Review status: criteria provided, conflicting classifications (1 of 4 stars). 14 submissions from 14 submitters: Uncertain significance (8); Likely benign (3). 3 of the submissions do not count toward it. Last evaluated 2025-08-26.

Conditions:
BRCA2-related cancer predisposition. Identifiers: MedGen CN377758, MONDO:0700269.
BRCA2-related disorder. Also called: BRCA2-related condition; BRCA2-related disorders. Identifiers: MedGen CN239275.
Breast and/or ovarian cancer. Identifiers: MedGen CN221562.
Hereditary cancer-predisposing syndrome. Also called: Hereditary Cancer Syndrome; Tumor predisposition; Neoplastic Syndromes, Hereditary; Hereditary neoplastic syndrome. Identifiers: Orphanet 140162, MedGen C0027672, MeSH D009386, MONDO:0015356.
Hereditary breast ovarian cancer syndrome. Also called: Breast and ovarian cancer; BRCA1- and BRCA2-Associated Hereditary Breast and Ovarian Cancer; Hereditary breast and ovarian cancer; Hereditary breast and ovarian cancer syndrome (HBOC); Hereditary breast and ovarian cancer syndrome; Hereditary breast and/or ovarian cancer syndrome. Identifiers: Orphanet 145, MedGen C0677776, MeSH D061325, MONDO:0003582. Disease mechanism: loss of function.
Breast-ovarian cancer, familial, susceptibility to, 2 (BROVCA2). Also called: BRCA2 Hereditary Breast and Ovarian Cancer. Identifiers: Orphanet 145, MedGen C2675520, MONDO:0012933, OMIM 612555. Disease mechanism: loss of function.

Allele frequency attached by ClinVar (database versions not stated): gnomAD exomes below 0.00001 and 0.00001; ExAC 0.00001.
gnomAD v4.1: 5 of 1,613,952 alleles (0.00031%); highest among the groups gnomAD compares: Non-Finnish European, 0.00042%; no homozygotes.

Submissions (14):

Labcorp Genetics (formerly Invitae), Labcorp
Classification: Uncertain significance for Hereditary breast ovarian cancer syndrome. Last evaluated: 2025-08-26. Review status: criteria provided, single submitter. Criteria: Invitae Variant Classification Sherloc (09022015). Collection method: clinical testing. Allele origin: germline.
Comment: This sequence change replaces serine, which is neutral and polar, with arginine, which is basic and polar, at codon 1554 of the BRCA2 protein (p.Ser1554Arg). This variant is present in population databases (rs276174845, gnomAD 0.003%). This missense change has been observed in individual(s) with ovarian cancer (PMID: 10923033, 24504028). ClinVar contains an entry for this variant (Variation ID: 51692). Invitae Evidence Modeling of protein sequence and biophysical properties (such as structural, functional, and spatial information, amino acid conservation, physicochemical variation, residue mobility, and thermodynamic stability) indicates that this missense variant is not expected to disrupt BRCA2 protein function with a negative predictive value of 95%. In summary, the available evidence is currently insufficient to determine the role of this variant in disease. Therefore, it has been classified as a Variant of Uncertain Significance.

PreventionGenetics, part of Exact Sciences
Classification: Uncertain significance for BRCA2-related condition. Last evaluated: 2025-08-20. Review status: criteria provided, single submitter. Criteria: ACMG Guidelines, 2015. Collection method: clinical testing. Allele origin: germline.
Comment: The BRCA2 c.4662T>G variant is predicted to result in the amino acid substitution p.Ser1554Arg. This variant has been reported in at least one individual with a history of epithelial ovarian cancer (Table S1, Cunningham et al. 2014. PubMed ID: 24504028) and in six individuals with a personal or family history of cancer undergoing genetic testing (Supplemental Tables, Li et al. 2019. PubMed ID: 31853058). This variant occurs within a region of the BRCA2 gene that is predicted to be tolerant to missense variation (Table 2, Dines et al. 2020. PubMed ID: 31911673). This variant is reported in 0.0026% of alleles in individuals of European (Non-Finnish) descent in gnomAD and has conflicting interpretations in ClinVar ranging from uncertain significance to likely benign (Variation ID: 51692). At this time, the clinical significance of this variant is uncertain due to the absence of conclusive functional and genetic evidence.

GeneDx
Classification: Uncertain significance. Last evaluated: 2025-03-02. Review status: criteria provided, single submitter. Criteria: GeneDx Variant Classification Process June 2021. Collection method: clinical testing. Allele origin: germline. Affected: yes.
Comment: Not observed at significant frequency in large population cohorts (gnomAD); In silico analysis supports that this missense variant has a deleterious effect on protein structure/function; Observed in an individual with ovarian cancer (PMID: 24504028); Also known as 4890T>G; This variant is associated with the following publications: (PMID: 31853058, 24504028)

Quest Diagnostics Nichols Institute San Juan Capistrano
Classification: Uncertain significance. Last evaluated: 2024-11-14. Review status: criteria provided, single submitter. Criteria: Quest Diagnostics criteria. Collection method: clinical testing. Allele origin: unknown.
Comment: The BRCA2 c.4662T>G (p.Ser1554Arg) variant has been reported in the published literature in a cohort of individuals with epithelial ovarian cancer (PMID: 24504028 (2014)). This variant has been reported to be located in a region of the BRCA2 gene that is tolerant to missense sequence changes (PMID: 31911673 (2020)). The frequency of this variant in the general population, 0.000026 (3/113464 chromosomes (Genome Aggregation Database)), is uninformative in the assessment of its pathogenicity. Analysis of this variant using bioinformatics tools for the prediction of the effect of amino acid changes on protein structure and function yielded predictions that this variant is benign. Based on the available information, we are unable to determine the clinical significance of this variant.

Color Diagnostics, LLC DBA Color Health
Classification: Uncertain significance for Hereditary cancer-predisposing syndrome. Last evaluated: 2024-11-13. Review status: criteria provided, single submitter. Criteria: ACMG Guidelines, 2015. Collection method: clinical testing. Allele origin: germline.
Comment: This missense variant replaces serine with arginine at codon 1554 of the BRCA2 protein. Computational prediction suggests that this variant may not impact protein structure and function. To our knowledge, functional studies have not been reported for this variant. This variant has been reported in an individual each affected with ovarian cancer and breast cancer (PMID: 24504028; Color internal data). This variant has been identified in 3/250920 chromosomes in the general population by the Genome Aggregation Database (gnomAD). The available evidence is insufficient to determine the role of this variant in disease conclusively. Therefore, this variant is classified as a Variant of Uncertain Significance.

All of Us Research Program, National Institutes of Health
Classification: Uncertain significance for BRCA2-related cancer predisposition. Last evaluated: 2024-07-20. Review status: criteria provided, single submitter. Criteria: ACMG Guidelines, 2015. Collection method: clinical testing. Allele origin: germline. Inheritance: Autosomal dominant inheritance. Observed: 3 variant alleles, 3 heterozygotes.
Comment: This missense variant replaces serine with arginine at codon 1554 of the BRCA2 protein. Computational prediction suggests that this variant may not impact protein structure and function (internally defined REVEL score threshold <= 0.5, PMID: 27666373). To our knowledge, functional studies have not been reported for this variant. This variant has been reported in an individual each affected with ovarian cancer and breast cancer (PMID: 24504028; Color internal data). This variant has been identified in 3/250920 chromosomes in the general population by the Genome Aggregation Database (gnomAD). The available evidence is insufficient to determine the role of this variant in disease conclusively. Therefore, this variant is classified as a Variant of Uncertain Significance.

This study involves interpretation of variants in research participants for the purpose of population health screening. Participant phenotype was not available at the time of variant classification. Additional details can be found in publication PMID: 35346344, PMCID: PMC8962531

Ambry Genetics
Classification: Likely benign for Hereditary cancer-predisposing syndrome. Last evaluated: 2024-01-24. Review status: criteria provided, single submitter. Criteria: Ambry Variant Classification Scheme 2023. Collection method: clinical testing. Allele origin: germline.

University of Washington Department of Laboratory Medicine, University of Washington
Classification: Likely benign for Hereditary cancer-predisposing syndrome. Last evaluated: 2023-03-23. Review status: criteria provided, single submitter. Criteria: Dines et al. (Genet Med. 2020). Collection method: curation. Allele origin: germline.
Comment: Missense variant in a coldspot region where missense variants are very unlikely to be pathogenic (PMID:31911673).

BRCA2 exon 11 coldspot. Reclassification based on statistical prior probability.

CHEO Genetics Diagnostic Laboratory, Children's Hospital of Eastern Ontario
Classification: Uncertain significance for Breast and/or ovarian cancer. Last evaluated: 2022-12-09. Review status: criteria provided, single submitter. Criteria: ACMG Guidelines, 2015. Collection method: clinical testing. Allele origin: germline.

CeGaT Center for Human Genetics Tuebingen
Classification: Likely benign. Last evaluated: 2022-08-01. Review status: criteria provided, single submitter. Criteria: CeGaT Center For Human Genetics Tuebingen Variant Classification Criteria Version 2. Collection method: clinical testing. Allele origin: germline. Affected: yes. Observed: 1 variant allele.
Comment: BRCA2: BP4

Women's Health and Genetics/Laboratory Corporation of America, LabCorp
Classification: Uncertain significance. Last evaluated: 2016-12-08. Review status: criteria provided, single submitter. Criteria: LabCorp Variant Classification Summary - May 2015. Collection method: clinical testing. Allele origin: germline.
Comment: Variant summary: The BRCA2 c.4662T>G (p.Ser1554Arg) variant causes a missense change involving a conserved nucleotide, which 3/5 in silico tools predict a benign outcome, although these predictions have yet to be functionally assessed. The variant of interest was observed in the large, broad control population, ExAC, with an allele frequency of 1/120626, which does not exceed the estimated maximal expected allele frequency for a pathogenic BRCA2 variant of 1/1333. The variant of interest was reported in an affected individual via a publication, although with limited information (ie, lack of co-occurrence and cosegregation data). Multiple clinical diagnostic laboratories/databases cite the variant with a classification of "uncertain significance." Therefore, until additional information becomes available, the variant of interest has been classified as a "Variant of Uncertain Significance (VUS)."

Counsyl
Classification: Uncertain significance for Breast-ovarian cancer, familial, susceptibility to, 2. Last evaluated: 2017-02-08. Review status: no assertion criteria provided. Collection method: clinical testing. Allele origin: unknown. Not counted in ClinVar's aggregate classification.

Breast Cancer Information Core (BIC) (BRCA2)
Classification: Uncertain significance for Breast-ovarian cancer, familial 2. Last evaluated: 2011-10-19. Review status: no assertion criteria provided. Collection method: clinical testing. Allele origin: germline. Affected: yes. Observed: 1 variant allele. Not counted in ClinVar's aggregate classification.

Sharing Clinical Reports Project (SCRP)
Classification: Uncertain significance for Breast-ovarian cancer, familial 2. Last evaluated: 2011-04-11. Review status: no assertion criteria provided. Collection method: clinical testing. Allele origin: germline. Not counted in ClinVar's aggregate classification.

Literature cited by the submitters: PubMed 10923033 (cited by Labcorp Genetics (formerly Invitae), Labcorp and Quest Diagnostics Nichols Institute San Juan Capistrano); PubMed 24504028 (cited by 7 submitters); PubMed 31911673 (cited by Quest Diagnostics Nichols Institute San Juan Capistrano); PubMed 31853058 (cited by Quest Diagnostics Nichols Institute San Juan Capistrano).